The following is an entry in ClinVar:

NM_000391.4(TPP1):c.773C>T (p.Ala258Val)

Gene: TPP1 (tripeptidyl peptidase 1; minus strand). Cytogenetic location: 11p15.4.
Variant type: single nucleotide variant.
Coding change: c.773C>T on transcript NM_000391.4 (MANE Select); coding-DNA position 773, C replaced by T.
Protein change: p.Ala258Val; replaces alanine 258 with valine.
Molecular consequence: missense variant.
Genome position (GRCh38, 1-based): chr11:6,616,774, G>A on the plus strand (C>T on the coding strand, the complement: TPP1 is on the minus strand). VCF-style: chr11-6616774-G-A. GRCh37 (hg19) VCF-style: chr11-6638005-G-A.
Other names: short protein forms A258V.
Identifiers: ClinVar variation 1809945 (VCV001809945.3), dbSNP rs769442364, ClinGen allele CA217323055.
Genomic context (GRCh38, chr11:6,616,774, plus strand): 5'-TGCACATCTAGACTGGCCTCAATCCCGGCCCGGCCCCGGCCCTGTTGTCCAACCACACGG[G>A]CTACTGATGCCTGATGTGCAAAGTTGCCACCGAAGAGGCGCATGAACTGAGCCAGGTCTG-3'
Protein context (NP_000382.3, residues 248-268): GGNFAHQASV[Ala258Val]RVVGQQGRGR

ClinVar aggregate classification (germline): Uncertain significance. Review status: criteria provided, multiple submitters, no conflicts (2 of 4 stars). 2 submissions from 2 submitters: Uncertain significance (2). Last evaluated 2022-07-01.

gnomAD v4.1: 1 of 1,613,856 alleles (0.000062%); highest among the groups gnomAD compares: Non-Finnish European, 0.000085%; no homozygotes.

Submissions (2):

GeneDx
Classification: Uncertain significance. Last evaluated: 2022-07-01. Review status: criteria provided, single submitter. Criteria: GeneDx Variant Classification Process June 2021. Collection method: clinical testing. Allele origin: germline. Affected: yes.
Comment: Not observed at significant frequency in large population cohorts (gnomAD); In silico analysis supports that this missense variant does not alter protein structure/function; Has not been previously published as pathogenic or benign to our knowledge

Labcorp Genetics (formerly Invitae), Labcorp
Classification: Uncertain significance. Last evaluated: 2021-12-18. Review status: criteria provided, single submitter. Criteria: Invitae Variant Classification Sherloc (09022015). Collection method: clinical testing. Allele origin: germline.
Comment: This sequence change replaces alanine, which is neutral and non-polar, with valine, which is neutral and non-polar, at codon 258 of the TPP1 protein (p.Ala258Val). This variant is not present in population databases (gnomAD no frequency). This variant has not been reported in the literature in individuals affected with TPP1-related conditions. Advanced modeling of protein sequence and biophysical properties (such as structural, functional, and spatial information, amino acid conservation, physicochemical variation, residue mobility, and thermodynamic stability) performed at Invitae indicates that this missense variant is not expected to disrupt TPP1 protein function. In summary, the available evidence is currently insufficient to determine the role of this variant in disease. Therefore, it has been classified as a Variant of Uncertain Significance.